The following is an entry in ClinVar:

NM_013266.4(CTNNA3):c.2378G>A (p.Gly793Glu)

Gene: CTNNA3 (catenin alpha 3; minus strand). Cytogenetic location: 10q21.3.
Variant type: single nucleotide variant.
Coding change: c.2378G>A on transcript NM_013266.4 (MANE Select); coding-DNA position 2378, G replaced by A.
Protein change: p.Gly793Glu; replaces glycine 793 with glutamic acid.
Molecular consequence: missense variant.
Genome position (GRCh38, 1-based): chr10:65,966,634, C>T on the plus strand (G>A on the coding strand, the complement: CTNNA3 is on the minus strand). VCF-style: chr10-65966634-C-T. GRCh37 (hg19) VCF-style: chr10-67726392-C-T.
Other names: c.2378G>A, p.Gly793Glu (NM_001127384.3); short protein forms G793E.
Identifiers: ClinVar variation 696072 (VCV000696072.16), dbSNP rs188248522, ClinGen allele CA5519616.
Genomic context (GRCh38, chr10:65,966,634, plus strand): 5'-TTCCACCTGTGATCATGTAAGTGCTAGGCAGTACTCACAGCTGACATGATGAGCTCTCCT[C>T]CCAGGTTCTGGATCTCAGCTTTAACTTGACTGCAGATTTTCAGTTGGTGGGAGTAGAACT-3'
Protein context (NP_037398.2, residues 783-803): SQVKAEIQNL[Gly793Glu]GELIMSALDS

ClinVar aggregate classification (germline): Likely benign. Review status: criteria provided, multiple submitters, no conflicts (2 of 4 stars). 5 submissions from 5 submitters: Likely benign (4). 1 of the submissions does not count toward it. Last evaluated 2026-01-18.

Conditions:
CTNNA3-related disorder. Also called: CTNNA3-related condition.
Arrhythmogenic right ventricular dysplasia 13. Also called: ARRHYTHMOGENIC RIGHT VENTRICULAR CARDIOMYOPATHY 13; Arrhythmogenic right ventricular dysplasia, familial, 13. Identifiers: MedGen C3810138, MONDO:0000908, OMIM 615616.

Allele frequency attached by ClinVar (database versions not stated): gnomAD exomes 0.00010 and 0.00028; 1000 Genomes Project 30x 0.00016; TOPMed 0.00017; gnomAD 0.00018 and 0.00021; 1000 Genomes Project 0.00020; ExAC 0.00024.
gnomAD v4.1: 294 of 1,613,794 alleles (0.018%); highest among the groups gnomAD compares: East Asian, 0.35%; 3 homozygotes.

Submissions (5):

Labcorp Genetics (formerly Invitae), Labcorp
Classification: Likely benign for Arrhythmogenic right ventricular dysplasia 13. Last evaluated: 2026-01-18. Review status: criteria provided, single submitter. Criteria: Invitae Variant Classification Sherloc (09022015). Collection method: clinical testing. Allele origin: germline.

Blueprint Genetics
Classification: Likely benign. Last evaluated: 2024-10-24. Review status: criteria provided, single submitter. Criteria: ACMG Guidelines, 2015. Collection method: clinical testing. Allele origin: germline.

Women's Health and Genetics/Laboratory Corporation of America, LabCorp
Classification: Likely benign. Last evaluated: 2024-06-17. Review status: criteria provided, single submitter. Criteria: LabCorp Variant Classification Summary - May 2015. Collection method: clinical testing. Allele origin: germline.

GeneDx
Classification: Likely benign. Last evaluated: 2020-10-23. Review status: criteria provided, single submitter. Criteria: GeneDx Variant Classification Process June 2021. Collection method: clinical testing. Allele origin: germline. Affected: yes.

PreventionGenetics, part of Exact Sciences
Classification: Likely benign for CTNNA3-related condition. Last evaluated: 2019-09-19. Review status: no assertion criteria provided. Collection method: clinical testing. Allele origin: germline. Not counted in ClinVar's aggregate classification.
Comment: This variant is classified as likely benign based on ACMG/AMP sequence variant interpretation guidelines (Richards et al. 2015 PMID: 25741868, with internal and published modifications).